The following is an entry in ClinVar:

NM_032578.4(MYPN):c.1594G>A (p.Val532Met)

Gene: MYPN (myopalladin; plus strand). Cytogenetic location: 10q21.3.
Variant type: single nucleotide variant.
Coding change: c.1594G>A on transcript NM_032578.4 (MANE Select); coding-DNA position 1594, G replaced by A.
Protein change: p.Val532Met; replaces valine 532 with methionine.
Molecular consequence: missense variant. On other transcripts: non-coding transcript variant (2).
Genome position (GRCh38, 1-based): chr10:68,165,812, G>A. VCF-style: chr10-68165812-G-A. GRCh37 (hg19) VCF-style: chr10-69925569-G-A.
Other names: p.V532M:GTG>ATG; p.Val532Met; c.1594G>A, p.Val532Met (NM_001256267.2); c.712G>A, p.Val238Met (NM_001256268.2); short protein forms V532M, V238M.
Identifiers: ClinVar variation 201884 (VCV000201884.36), dbSNP rs760362375, ClinGen allele CA335301.

ClinVar aggregate classification (germline): Uncertain significance. Review status: criteria provided, multiple submitters, no conflicts (2 of 4 stars). 7 submissions from 7 submitters: Uncertain significance (7). Last evaluated 2025-08-18.

Conditions:
MYPN-related disorder. Also called: MYPN-related condition.
Cardiovascular phenotype. Identifiers: MedGen CN230736.
Dilated cardiomyopathy 1KK (CMD1KK). Identifiers: Orphanet 154, Orphanet 75249, MedGen C3714995, MONDO:0014100, OMIM 615248.

Allele frequency attached by ClinVar (database versions not stated): ExAC 0.00001; gnomAD 0.00001; TOPMed 0.00001; gnomAD exomes 0.00002 and 0.00003.
gnomAD v4.1: 34 of 1,612,952 alleles (0.0021%); highest among the groups gnomAD compares: African/African-American, 0.004%; no homozygotes.

Submissions (7):

PreventionGenetics, part of Exact Sciences
Classification: Uncertain significance for MYPN-related condition. Last evaluated: 2025-08-18. Review status: criteria provided, single submitter. Criteria: ACMG Guidelines, 2015. Collection method: clinical testing. Allele origin: germline.
Comment: The MYPN c.1594G>A variant is predicted to result in the amino acid substitution p.Val532Met. This variant has been reported in an individual with left ventricular noncompaction (Table S3, Miszalski-Jamka et al. 2017. PubMed ID: 28798025). It has also been reported in large cohort studies of individuals with cardiomyopathy, including an individual with dilated cardiomyopathy who also carried additional cardiac variants, including a pathogenic loss-of-function TTN variant (Table S2, Khan et al. 2021. PubMed ID: 34935411; Table S5, Ware et al. 2022. PubMed ID: 35026164). This variant is reported in 0.012% of alleles in individuals of African descent in gnomAD. At this time, the clinical significance of this variant is uncertain due to the absence of conclusive functional and genetic evidence.

Ambry Genetics
Classification: Uncertain significance for Cardiovascular phenotype. Last evaluated: 2025-06-13. Review status: criteria provided, single submitter. Criteria: Ambry Variant Classification Scheme 2023. Collection method: clinical testing. Allele origin: germline.
Comment: The p.V532M variant (also known as c.1594G>A), located in coding exon 8 of the MYPN gene, results from a G to A substitution at nucleotide position 1594. The valine at codon 532 is replaced by methionine, an amino acid with highly similar properties. This variant has been observed in individuals with dilated cardiomyopathy, however, the variant co-occurred with a likely pathogenic frameshift variant in the TTN gene in one case (Khan RS et al. J Am Heart Assoc. 2022 01;11(1):e022854; Ware SM et al. Am J Hum Genet, 2022 Feb;109:282-298). In addition, this variant was detected in left ventricular non-compaction (LVNC) cohorts; however, clinical details were limited (Miszalski-Jamka K et al. Circ Cardiovasc Genet. 2017 Aug;10(4); Mazzarotto F et al. Genet Med, 2021 May;23:856-864). This amino acid position is highly conserved in available vertebrate species. In addition, this alteration is predicted to be deleterious by in silico analysis. Based on the available evidence, the clinical significance of this variant remains unclear.

Mayo Clinic Laboratories, Mayo Clinic
Classification: Uncertain significance. Last evaluated: 2025-05-19. Review status: criteria provided, single submitter. Criteria: ACMG Guidelines, 2015. Collection method: clinical testing. Allele origin: germline. Observed: 1 variant allele.
Comment: PP3, PM2_supporting

Labcorp Genetics (formerly Invitae), Labcorp
Classification: Uncertain significance for Dilated cardiomyopathy 1KK. Last evaluated: 2022-08-07. Review status: criteria provided, single submitter. Criteria: Invitae Variant Classification Sherloc (09022015). Collection method: clinical testing. Allele origin: germline.
Comment: This sequence change replaces valine, which is neutral and non-polar, with methionine, which is neutral and non-polar, at codon 532 of the MYPN protein (p.Val532Met). This variant is present in population databases (rs760362375, gnomAD 0.01%). This missense change has been observed in individual(s) with left ventricular noncompaction (PMID: 28798025). ClinVar contains an entry for this variant (Variation ID: 201884). Algorithms developed to predict the effect of missense changes on protein structure and function are either unavailable or do not agree on the potential impact of this missense change (SIFT: "Tolerated"; PolyPhen-2: "Probably Damaging"; Align-GVGD: "Class C0"). In summary, the available evidence is currently insufficient to determine the role of this variant in disease. Therefore, it has been classified as a Variant of Uncertain Significance.

CeGaT Center for Human Genetics Tuebingen
Classification: Uncertain significance. Last evaluated: 2022-04-01. Review status: criteria provided, single submitter. Criteria: CeGaT Center For Human Genetics Tuebingen Variant Classification Criteria Version 2. Collection method: clinical testing. Allele origin: germline. Affected: yes. Observed: 1 variant allele.

GeneDx
Classification: Uncertain significance. Last evaluated: 2016-02-16. Review status: criteria provided, single submitter. Criteria: GeneDx Variant Classification (06012015). Collection method: clinical testing. Allele origin: germline. Affected: yes.
Comment: This variant is denoted p.Val532Met (GTG>ATG): c.1594 G>A in exon 9 of the MYPN gene (NM_032578.3). The V532M variant has not been published as a mutation, nor has it been reported as a benign polymorphism to our knowledge. The V532M variant was not observed in approximately 6500 individuals of European and African American ancestry in the NHLBI Exome Sequencing Project, indicating it is not a common benign variant in these populations. The V532M variant is a conservative amino acid substitution, which is not likely to impact secondary protein structure as these residues share similar properties. This substitution occurs at a position that is conserved across species. In silico analysis predicts this variant is probably damaging to the protein structure/function. However, mutations in nearby residues have not been reported in association with cardiomyopathy, indicating this region of the protein may tolerate change. Therefore, based on the currently available information, it is unclear whether this variant is a pathogenic mutation or a rare benign variant. The variant is found in CARDIOMYOPATHY panel(s).

Centre for Mendelian Genomics, University Medical Centre Ljubljana
Classification: Uncertain significance for Dilated cardiomyopathy 1KK. Last evaluated: 2016-01-01. Review status: criteria provided, single submitter. Criteria: ACMG Guidelines, 2015. Collection method: clinical testing. Allele origin: unknown. Affected: yes.
Comment: This variant was classified as: Uncertain significance. The following ACMG criteria were applied in classifying this variant: PP3.

Literature cited by the submitters: PubMed 28798025 (cited by 3 submitters); PubMed 33500567 (cited by Ambry Genetics); PubMed 34935411 (cited by Ambry Genetics and Mayo Clinic Laboratories, Mayo Clinic); PubMed 35026164 (cited by Ambry Genetics).